The following is an entry in ClinVar:

ClinVar aggregate classification (germline): Uncertain significance. Review status: criteria provided, multiple submitters, no conflicts (2 of 4 stars). 6 submissions from 6 submitters: Uncertain significance (3). 3 of the submissions do not count toward it. Last evaluated 2025-06-10.

Conditions:
APP-related disorder. Also called: APP-related condition.
Alzheimer disease type 1 (AD1). Also called: ALZHEIMER DISEASE, FAMILIAL, 1; ALZHEIMER DISEASE, FAMILIAL, 1, AUTOSOMAL RECESSIVE. Identifiers: MedGen C1863052, MONDO:0007088, OMIM 104300.
Alzheimer disease. Also called: Alzheimer's disease; Presenile and senile dementia. Identifiers: Orphanet 1020, MedGen C0002395, MeSH D000544, MONDO:0004975, HP:0002511.

Allele frequency attached by ClinVar (database versions not stated): ExAC 0.00001; gnomAD 0.00001; gnomAD exomes 0.00001; TOPMed 0.00002.
gnomAD v4.1: 38 of 1,613,802 alleles (0.0024%); highest among the groups gnomAD compares: Admixed American, 0.0033%; no homozygotes.

Submissions (6):

Women's Health and Genetics/Laboratory Corporation of America, LabCorp
Classification: Uncertain significance. Last evaluated: 2025-06-10. Review status: criteria provided, single submitter. Criteria: LabCorp Variant Classification Summary - May 2015. Collection method: clinical testing. Allele origin: germline.
Comment: Variant summary: APP c.1995G>C (p.Glu665Asp) results in a conservative amino acid change in the encoded protein sequence. Algorithms developed to predict the effect of missense changes on protein structure and function are either unavailable or do not agree on the potential impact of this missense change. The variant allele was found at a frequency of 1.2e-05 in 251368 control chromosomes. The available data on variant occurrences in the general population are insufficient to allow any conclusion about variant significance. c.1995G>C has been observed in individual(s) affected with Alzheimers disorders (Peacock_1994, Abbatemarco_2021). These report(s) do not provide unequivocal conclusions about association of the variant with Cerebral Amyloid Angiopathy, APP-Related. At least one publication reports experimental evidence evaluating an impact on protein function. These results showed no damaging effect of this variant in N2A cells (Hsu_2020). The following publications have been ascertained in the context of this evaluation (PMID: 33445953, 32087291, 8154870). ClinVar contains an entry for this variant (Variation ID: 18095). Based on the evidence outlined above, the variant was classified as uncertain significance.

Labcorp Genetics (formerly Invitae), Labcorp
Classification: Uncertain significance for Alzheimer disease. Last evaluated: 2023-05-22. Review status: criteria provided, single submitter. Criteria: Invitae Variant Classification Sherloc (09022015). Collection method: clinical testing. Allele origin: germline.
Comment: In summary, the available evidence is currently insufficient to determine the role of this variant in disease. Therefore, it has been classified as a Variant of Uncertain Significance. Experimental studies have shown that this missense change does not substantially affect APP function (PMID: 32087291). Advanced modeling of protein sequence and biophysical properties (such as structural, functional, and spatial information, amino acid conservation, physicochemical variation, residue mobility, and thermodynamic stability) performed at Invitae indicates that this missense variant is not expected to disrupt APP protein function. ClinVar contains an entry for this variant (Variation ID: 18095). This missense change has been observed in individual(s) with clinical features of APP-related conditions (PMID: 8154870, 33445953). This variant is present in population databases (rs63750363, gnomAD 0.003%). This sequence change replaces glutamic acid, which is acidic and polar, with aspartic acid, which is acidic and polar, at codon 665 of the APP protein (p.Glu665Asp).

GeneDx
Classification: Uncertain significance. Last evaluated: 2017-03-14. Review status: criteria provided, single submitter. Criteria: GeneDx Variant Classification (06012015). Collection method: clinical testing. Allele origin: germline. Affected: yes.
Comment: The E665D variant is observed in 1/66730 (0.0015%) alleles from individuals of European (Non-Finnish) background, in the ExAC dataset (Lek et al., 2016). The E665D variant is a conservative amino acid substitution, which occurs at a position that is conserved across species. In silico analysis is inconsistent in its predictions as to whether or not the variant is damaging to the protein structure/function. We interpret E665D as a variant of uncertain significance,

PreventionGenetics, part of Exact Sciences
Classification: Uncertain significance for APP-related condition. Last evaluated: 2024-05-31. Review status: no assertion criteria provided. Collection method: clinical testing. Allele origin: germline. Not counted in ClinVar's aggregate classification.
Comment: The APP c.1995G>C variant is predicted to result in the amino acid substitution p.Glu665Asp. This variant was reported in an individual with late-onset Alzheimer's disease (AD) (Peacock et al. 1994. PubMed ID: 8154870). It was also reported in an individual with early-onset progressive cognitive and behavioral dysfunction and markers in the cerebrospinal fluid (CSF) consistent with Alzheimer's disease (Abbatemarco et al. 2021. PubMed ID: 33445953). In a functional study, it was reported not to increase levels of Aβ42/40 or Aβ42, and was considered not pathogenic (Hsu et al. 2020. PubMed ID: 32087291). This variant is reported in 0.0029% of alleles in individuals of Latino descent in gnomAD. At this time, the clinical significance of this variant is uncertain due to the absence of conclusive functional and genetic evidence.

OMIM
Classification: Pathogenic for ALZHEIMER DISEASE, FAMILIAL, 1. Last evaluated: 1994-04-01. Review status: no assertion criteria provided. Collection method: literature only. Allele origin: germline. Not counted in ClinVar's aggregate classification.

VIB  Department of Molecular Genetics, University of Antwerp
No classification provided. Review status: no classification provided. Collection method: not provided. Allele origin: not provided. Not counted in ClinVar's aggregate classification.

Literature cited by the submitters: PubMed 32087291 (cited by Women's Health and Genetics/Laboratory Corporation of America, LabCorp and Labcorp Genetics (formerly Invitae), Labcorp); PubMed 33445953 (cited by Women's Health and Genetics/Laboratory Corporation of America, LabCorp and Labcorp Genetics (formerly Invitae), Labcorp); PubMed 8154870 (cited by 3 submitters).

NM_000484.4(APP):c.1995G>C (p.Glu665Asp)

Gene: APP (amyloid beta precursor protein; minus strand). Cytogenetic location: 21q21.3.
Variant type: single nucleotide variant.
Coding change: c.1995G>C on transcript NM_000484.4 (MANE Select); coding-DNA position 1995, G replaced by C.
Protein change: p.Glu665Asp; replaces glutamic acid 665 with aspartic acid.
Molecular consequence: missense variant.
Genome position (GRCh38, 1-based): chr21:25,897,642, C>G on the plus strand (G>C on the coding strand, the complement: APP is on the minus strand). VCF-style: chr21-25897642-C-G. GRCh37 (hg19) VCF-style: chr21-27269954-C-G.
Other names: c.1923G>C, p.Glu641Asp (NM_001136016.3); c.1602G>C, p.Glu534Asp (NM_001136129.3); c.1827G>C, p.Glu609Asp (NM_001136130.3, NM_001385253.1); c.1665G>C, p.Glu555Asp (NM_001136131.3); c.1941G>C, p.Glu647Asp (NM_001204301.2); c.1884G>C, p.Glu628Asp (NM_001204302.2); c.1716G>C, p.Glu572Asp (NM_001204303.2); c.1938G>C, p.Glu646Asp (NM_201413.3); and 1 more; short protein forms E665D, E572D, E590D, E609D, E628D, E641D, E534D, E646D.
Identifiers: ClinVar variation 18095 (VCV000018095.7), dbSNP rs63750363, ClinGen allele CA127797.